The following is an entry in ClinVar:

NM_000297.4(PKD2):c.1320-2A>C

Gene: PKD2 (polycystin 2, transient receptor potential cation channel; plus strand). Cytogenetic location: 4q22.1.
Variant type: single nucleotide variant.
Coding change: c.1320-2A>C on transcript NM_000297.4 (MANE Select); the canonical splice acceptor site of the intron before coding-DNA position 1320, A replaced by C.
Molecular consequence: splice acceptor variant.
Genome position (GRCh38, 1-based): chr4:88,046,640, A>C. VCF-style: chr4-88046640-A-C. GRCh37 (hg19) VCF-style: chr4-88967792-A-C.
Identifiers: ClinVar variation 3591381 (VCV003591381.2).

ClinVar aggregate classification (germline): Pathogenic/Likely pathogenic. Review status: criteria provided, multiple submitters, no conflicts (2 of 4 stars). 2 submissions from 2 submitters: Pathogenic (1); Likely pathogenic (1). Last evaluated 2025-11-26.

Conditions:
Polycystic kidney disease 2 (PKD2). Also called: POLYCYSTIC KIDNEY DISEASE, ADULT, TYPE II; Polycystic Kidney Disease 2, Autosomal Dominant; POLYCYSTIC KIDNEY DISEASE 2 WITH OR WITHOUT POLYCYSTIC LIVER DISEASE. Identifiers: MedGen C2751306, MONDO:0013131, OMIM 613095.

Submissions (2):

Women's Health and Genetics/Laboratory Corporation of America, LabCorp
Classification: Likely pathogenic for Polycystic kidney disease 2. Last evaluated: 2025-11-26. Review status: criteria provided, single submitter. Criteria: LabCorp Variant Classification Summary - May 2015. Collection method: clinical testing. Allele origin: germline.
Comment: Variant summary: PKD2 c.1320-2A>C is located in a canonical splice-site and is predicted to affect mRNA splicing resulting in a significantly altered protein due to either exon skipping, shortening, or inclusion of intronic material. Variants that disrupt the consensus splice site are a relatively common cause of aberrant splicing and loss of PKD2 function. Several computational tools predict a significant impact on normal splicing: Four predict the variant abolishes a 3' acceptor site. However, these predictions have yet to be confirmed by functional studies. The variant was absent in 251286 control chromosomes. To our knowledge, no occurrence of c.1320-2A>C in individuals affected with PKD2-related conditions and no experimental evidence demonstrating its impact on protein function have been reported. ClinVar contains an entry for this variant (Variation ID: 3591381). Based on the evidence outlined above, the variant was classified as likely pathogenic.

Fulgent Genetics
Classification: Pathogenic for Polycystic kidney disease 2. Last evaluated: 2024-02-07. Review status: criteria provided, single submitter. Criteria: ACMG Guidelines, 2015. Collection method: clinical testing. Allele origin: germline.